The following is an entry in ClinVar:

ClinVar aggregate classification (germline): Benign/Likely benign. Review status: criteria provided, multiple submitters, no conflicts (2 of 4 stars). 15 submissions from 14 submitters: Benign (11); Likely benign (4). Last evaluated 2026-09-21.

Conditions:
Fibromuscular dysplasia, multifocal. Identifiers: MedGen C5543412, MONDO:0859151, OMIM 619329.
Ehlers-Danlos syndrome, classic type, 1 (EDSCL1). Also called: Ehlers-Danlos syndrome, type 1; EHLERS-DANLOS SYNDROME, GRAVIS TYPE; EHLERS-DANLOS SYNDROME, SEVERE CLASSIC TYPE; Ehlers-Danlos Syndrome, Classic Type, COL5A1-Related; EDS I. Identifiers: MedGen C0268335, MONDO:0019567, OMIM 130000.
Ehlers-Danlos syndrome, classic type (cEDS). Identifiers: Orphanet 287, MedGen C4225429, MONDO:0007522.
Familial thoracic aortic aneurysm and aortic dissection (TAAD). Also called: Thoracic aortic aneurysms and dissections. Identifiers: Orphanet 91387, MedGen C4707243, MONDO:0019625.

Allele frequency attached by ClinVar (database versions not stated): 1000 Genomes Project 0.00339; 1000 Genomes Project 30x 0.00406; gnomAD exomes 0.00023 and 0.00060; ExAC 0.00081; gnomAD 0.00268 and 0.00288; TOPMed 0.00286; ESP Exome Variant Server 0.00300.
gnomAD v4.1: 766 of 1,613,572 alleles (0.047%); highest among the groups gnomAD compares: African/African-American, 0.9%; 6 homozygotes.

Submissions (15):

Molecular Diagnostic Laboratory for Inherited Cardiovascular Disease, Montreal Heart Institute
Classification: Likely benign. Last evaluated: 2026-09-21. Review status: criteria provided, single submitter. Criteria: ACMG Guidelines, 2015. Collection method: clinical testing. Allele origin: germline. Affected: no.
Comment: BS1;BP4

Labcorp Genetics (formerly Invitae), Labcorp
Classification: Benign for Ehlers-Danlos syndrome, classic type, 1. Last evaluated: 2026-01-29. Review status: criteria provided, single submitter. Criteria: Invitae Variant Classification Sherloc (09022015). Collection method: clinical testing. Allele origin: germline.

CeGaT Center for Human Genetics Tuebingen
Classification: Likely benign. Last evaluated: 2025-11-01. Review status: criteria provided, single submitter. Criteria: CeGaT Center For Human Genetics Tuebingen Variant Classification Criteria Version 2. Collection method: clinical testing. Allele origin: germline. Affected: yes. Observed: 1 variant allele.
Comment: COL5A1: BP4, BP7

ARUP Laboratories, Molecular Genetics and Genomics, ARUP Laboratories
Classification: Benign. Last evaluated: 2025-06-16. Review status: criteria provided, single submitter. Criteria: ARUP Molecular Germline Variant Investigation Process 2024. Collection method: clinical testing. Allele origin: germline.

Mayo Clinic Laboratories, Mayo Clinic
Classification: Likely benign. Last evaluated: 2025-06-05. Review status: criteria provided, single submitter. Criteria: ACMG Guidelines, 2015. Collection method: clinical testing. Allele origin: germline. Observed: 5 variant alleles.
Comment: BS1, BP4, BP7

Women's Health and Genetics/Laboratory Corporation of America, LabCorp
Classification: Benign. Last evaluated: 2025-01-13. Review status: criteria provided, single submitter. Criteria: LabCorp Variant Classification Summary - May 2015. Collection method: clinical testing. Allele origin: germline.

Blueprint Genetics
Classification: Benign. Last evaluated: 2024-10-22. Review status: criteria provided, single submitter. Criteria: ACMG Guidelines, 2015. Collection method: clinical testing. Allele origin: germline.

Genome-Nilou Lab
Classification: Benign for Ehlers-Danlos syndrome, classic type, 1. Last evaluated: 2022-03-15. Review status: criteria provided, single submitter. Criteria: ACMG Guidelines, 2015. Collection method: clinical testing. Allele origin: germline. Affected: no.

Genome-Nilou Lab
Classification: Benign for Fibromuscular dysplasia, multifocal. Last evaluated: 2022-03-15. Review status: criteria provided, single submitter. Criteria: ACMG Guidelines, 2015. Collection method: clinical testing. Allele origin: germline. Affected: no.

Illumina Laboratory Services, Illumina
Classification: Benign for Ehlers-Danlos syndrome, classic type, 1. Last evaluated: 2018-01-13. Review status: criteria provided, single submitter. Criteria: ICSL Variant Classification Criteria 13 December 2019. Collection method: clinical testing. Allele origin: germline.
Comment: This variant was observed in the ICSL laboratory as part of a predisposition screen in an ostensibly healthy population. It had not been previously curated by ICSL or reported in the Human Gene Mutation Database (HGMD: prior to June 1st, 2018), and was therefore a candidate for classification through an automated scoring system. Utilizing variant allele frequency, disease prevalence and penetrance estimates, and inheritance mode, an automated score was calculated to assess if this variant is too frequent to cause the disease. Based on the score and internal cut-off values, a variant classified as benign is not then subjected to further curation. The score for this variant resulted in a classification of benign for this disease.

Ambry Genetics
Classification: Benign for Familial thoracic aortic aneurysm and aortic dissection. Last evaluated: 2016-02-29. Review status: criteria provided, single submitter. Criteria: Ambry Variant Classification Scheme 2023. Collection method: clinical testing. Allele origin: germline.

Eurofins Ntd Llc (ga)
Classification: Benign. Last evaluated: 2015-04-16. Review status: criteria provided, single submitter. Criteria: EGL Classification Definitions 2015. Collection method: clinical testing. Allele origin: germline. Observed: 1 variant allele, 1 heterozygote.

GeneDx
Classification: Benign. Last evaluated: 2014-09-29. Review status: criteria provided, single submitter. Criteria: GeneDx Variant Classification (06012015). Collection method: clinical testing. Allele origin: germline. Affected: yes.
Comment: This variant is considered likely benign or benign based on one or more of the following criteria: it is a conservative change, it occurs at a poorly conserved position in the protein, it is predicted to be benign by multiple in silico algorithms, and/or has population frequency not consistent with disease.

Breakthrough Genomics
Classification: Likely benign. Review status: criteria provided, single submitter. Criteria: ACMG Guidelines, 2015. Collection method: not provided. Allele origin: germline. Inheritance: Autosomal dominant inheritance. Affected: yes.

PreventionGenetics, part of Exact Sciences
Classification: Benign. Review status: criteria provided, single submitter. Criteria: ACMG Guidelines, 2015. Collection method: clinical testing. Allele origin: germline.

NM_000093.5(COL5A1):c.240C>T (p.Asp80=)

Gene: COL5A1 (collagen type V alpha 1 chain; plus strand). Cytogenetic location: 9q34.3.
Variant type: single nucleotide variant.
Coding change: c.240C>T on transcript NM_000093.5 (MANE Select); coding-DNA position 240, C replaced by T.
Protein change: p.Asp80=; no amino-acid change (aspartic acid 80 retained).
Molecular consequence: synonymous variant.
Genome position (GRCh38, 1-based): chr9:134,691,042, C>T. VCF-style: chr9-134691042-C-T. GRCh37 (hg19) VCF-style: chr9-137582888-C-T.
Other names: p.D80D:GAC>GAT; p.Asp80=; c.240C>T, p.Asp80= (NM_001278074.1).
Identifiers: ClinVar variation 195014 (VCV000195014.39), dbSNP rs79724538, ClinGen allele CA302796.